The following is an entry in ClinVar:

ClinVar aggregate classification (germline): Uncertain significance. Review status: criteria provided, multiple submitters, no conflicts (2 of 4 stars). 3 submissions from 3 submitters: Uncertain significance (3). Last evaluated 2025-12-03.

Conditions:
Hereditary cancer-predisposing syndrome. Also called: Neoplastic Syndromes, Hereditary; Hereditary Cancer Syndrome; Tumor predisposition; Hereditary neoplastic syndrome. Identifiers: Orphanet 140162, MedGen C0027672, MeSH D009386, MONDO:0015356.
Colorectal cancer, susceptibility to, 12 (CRCS12). Also called: COLORECTAL CANCER, SUSCEPTIBILITY TO, ON CHROMOSOME 12q24. Identifiers: Orphanet 220460, MedGen C3554460, MONDO:0014038, OMIM 615083.

Submissions (3):

Labcorp Genetics (formerly Invitae), Labcorp
Classification: Uncertain significance. Last evaluated: 2025-12-03. Review status: criteria provided, single submitter. Criteria: Invitae Variant Classification Sherloc (09022015). Collection method: clinical testing. Allele origin: germline.
Comment: This sequence change replaces asparagine, which is neutral and polar, with aspartic acid, which is acidic and polar, at codon 423 of the POLE protein (p.Asn423Asp). The frequency data for this variant in the population databases is considered unreliable, as metrics indicate poor data quality at this position in the gnomAD database. This variant has not been reported in the literature in individuals affected with POLE-related conditions. ClinVar contains an entry for this variant (Variation ID: 2444883). Invitae Evidence Modeling of protein sequence and biophysical properties (such as structural, functional, and spatial information, amino acid conservation, physicochemical variation, residue mobility, and thermodynamic stability) indicates that this missense variant is expected to disrupt POLE protein function with a positive predictive value of 80%. In summary, the available evidence is currently insufficient to determine the role of this variant in disease. Therefore, it has been classified as a Variant of Uncertain Significance.

Ambry Genetics
Classification: Uncertain significance for Hereditary cancer-predisposing syndrome. Last evaluated: 2025-11-02. Review status: criteria provided, single submitter. Criteria: Ambry Variant Classification Scheme 2023. Collection method: clinical testing. Allele origin: germline.
Comment: The p.N423D variant (also known as c.1267A>G), located in coding exon 13 of the POLE gene, results from an A to G substitution at nucleotide position 1267. The asparagine at codon 423 is replaced by aspartic acid, an amino acid with highly similar properties. This amino acid position is conserved. In addition, this alteration is predicted to be tolerated by in silico analysis. Based on the available evidence, the clinical significance of this variant remains unclear.

St. Jude Molecular Pathology, St. Jude Children's Research Hospital
Classification: Uncertain significance for Colorectal cancer, susceptibility to, 12. Last evaluated: 2023-03-13. Review status: criteria provided, single submitter. Criteria: St. Jude Assertion Criteria 2020. Collection method: clinical testing. Allele origin: germline.
Comment: The POLE c.1267A>G (p.Asn423Asp) missense change has a maximum subpopulation frequency of 0.0033% in gnomAD v2.1.1. The in silico tool REVEL predicts a benign effect on protein function, but to our knowledge this prediction has not been confirmed by functional studies. To our knowledge, this variant has not been reported in the literature in individuals with POLE-related disease. In summary, the evidence currently available is insufficient to determine the clinical significance of this variant. It has therefore been classified as of uncertain significance.

NM_006231.4(POLE):c.1267A>G (p.Asn423Asp)

Gene: POLE (DNA polymerase epsilon, catalytic subunit; minus strand). Cytogenetic location: 12q24.33.
Variant type: single nucleotide variant.
Coding change: c.1267A>G on transcript NM_006231.4 (MANE Select); coding-DNA position 1267, A replaced by G.
Protein change: p.Asn423Asp; replaces asparagine 423 with aspartic acid.
Molecular consequence: missense variant.
Genome position (GRCh38, 1-based): chr12:132,673,667, T>C on the plus strand (A>G on the coding strand, the complement: POLE is on the minus strand). VCF-style: chr12-132673667-T-C. GRCh37 (hg19) VCF-style: chr12-133250253-T-C.
Other names: c.1267A>G (NM_006231.2); short protein forms N423D.
Identifiers: ClinVar variation 2444883 (VCV002444883.5), dbSNP rs1347133742, ClinGen allele CA387359557.